The following is an entry in ClinVar:

NM_152722.5(HEPACAM):c.275G>A (p.Arg92Gln)

Gene: HEPACAM (hepatic and glial cell adhesion molecule; minus strand). Cytogenetic location: 11q24.2.
Variant type: single nucleotide variant.
Coding change: c.275G>A on transcript NM_152722.5 (MANE Select); coding-DNA position 275, G replaced by A.
Protein change: p.Arg92Gln; replaces arginine 92 with glutamine.
Molecular consequence: missense variant.
Genome position (GRCh38, 1-based): chr11:124,924,880, C>T on the plus strand (G>A on the coding strand, the complement: HEPACAM is on the minus strand). VCF-style: chr11-124924880-C-T. GRCh37 (hg19) VCF-style: chr11-124794776-C-T.
Other names: short protein forms R92Q.
Identifiers: ClinVar variation 30916 (VCV000030916.11), dbSNP rs387907050, ClinGen allele CA342765.
Genomic context (GRCh38, chr11:124,924,880, plus strand): 5'-AGGTCGCTGAGAAGCAGGGAGCCATTTTCAAAGAGTCGGATACGGTCTCGATAGTCAGGC[C>T]GCAGGGTGCCGATGACCTCTGTGCCAATGGACTGCACCACGGTCACTGGCTTGTCCCGCT-3'
Protein context (NP_689935.2, residues 82-102): SIGTEVIGTL[Arg92Gln]PDYRDRIRLF

ClinVar aggregate classification (germline): Pathogenic/Likely pathogenic. Review status: criteria provided, multiple submitters, no conflicts (2 of 4 stars). 4 submissions from 4 submitters: Pathogenic (1); Likely pathogenic (1). 2 of the submissions do not count toward it. Last evaluated 2022-06-10.

Conditions:
Megalencephalic leukoencephalopathy with subcortical cysts 2A. Identifiers: Orphanet 2478, MedGen C3151355, MONDO:0013490, OMIM 613925.

Allele frequency attached by ClinVar (database versions not stated): gnomAD exomes below 0.00001.
gnomAD v4.1: 1 of 1,614,180 alleles (0.000062%); no homozygotes.

Submissions (4):

Dasa
Classification: Likely pathogenic for Megalencephalic leukoencephalopathy with subcortical cysts 2A. Last evaluated: 2022-06-10. Review status: criteria provided, single submitter. Criteria: ACMG Guidelines, 2015. Collection method: clinical testing. Allele origin: germline. Affected: yes. Observed: 1 variant allele.
Comment: The c.275G>A;p.(Arg92Gln) missense change has been observed in affected individual(s) and ClinVar contains an entry for this variant (ClinVar ID: 30916; NBK1535; PMID: 21419380) - PS4. This variant is not present in population databases:rs387907050, gnomAD; ABraOM no frequency) - PM2. Pathogenic missense variant in this residue have been reported and classified as Pathogenic by ACMG criteria (PMID: 21419380 - c.274C>T;p.(Arg92Trp) - PM5. In summary, the currently available evidence indicates that the variant is Likely Pathogenic

Centre for Mendelian Genomics, University Medical Centre Ljubljana
Classification: Pathogenic for Megalencephalic leukoencephalopathy with subcortical cysts 2A. Last evaluated: 2019-01-11. Review status: criteria provided, single submitter. Criteria: ACMG Guidelines, 2015. Collection method: clinical testing. Allele origin: unknown. Affected: yes.
Comment: This variant was classified as: Pathogenic. The following ACMG criteria were applied in classifying this variant: PS1,PM2,PP3.

OMIM
Classification: Pathogenic for MEGALENCEPHALIC LEUKOENCEPHALOPATHY WITH SUBCORTICAL CYSTS 2A. Last evaluated: 2011-04-08. Review status: no assertion criteria provided. Collection method: literature only. Allele origin: germline. Not counted in ClinVar's aggregate classification.

GeneReviews
No classification provided. Condition: Megalencephalic leukoencephalopathy with subcortical cysts 2A. Review status: no classification provided. Collection method: literature only. Allele origin: germline. Not counted in ClinVar's aggregate classification.

Literature cited by the submitters: PubMed 21419380 (cited by 3 submitters); NCBI Bookshelf NBK1535 (cited by GeneReviews).